The following is an entry in ClinVar:

ClinVar aggregate classification (germline): Benign (1 of 4 stars; one submission).

Conditions:
Pulmonary hypertension, primary, 1 (PPH1). Also called: Pulmonary hypertension, familial primary, 1, with or without HHT. Identifiers: Orphanet 422, MedGen C4552070, MONDO:0024533, OMIM 178600.

Allele frequency attached by ClinVar (database versions not stated): 1000 Genomes Project 0.00579; gnomAD 0.00605 and 0.00646; 1000 Genomes Project 30x 0.00671; gnomAD exomes 0.00071; TOPMed 0.00696.
gnomAD v4.1: 1,220 of 567,036 alleles (0.22%); highest among the groups gnomAD compares: African/African-American, 2.1%; 18 homozygotes.

Submission:

Illumina Laboratory Services, Illumina
Classification: Benign for Pulmonary hypertension, primary, 1. Last evaluated: 2018-01-12. Review status: criteria provided, single submitter. Criteria: ICSL Variant Classification Criteria 13 December 2019. Collection method: clinical testing. Allele origin: germline.
Comment: This variant was observed in the ICSL laboratory as part of a predisposition screen in an ostensibly healthy population. It had not been previously curated by ICSL or reported in the Human Gene Mutation Database (HGMD: prior to June 1st, 2018), and was therefore a candidate for classification through an automated scoring system. Utilizing variant allele frequency, disease prevalence and penetrance estimates, and inheritance mode, an automated score was calculated to assess if this variant is too frequent to cause the disease. Based on the score and internal cut-off values, a variant classified as benign is not then subjected to further curation. The score for this variant resulted in a classification of benign for this disease.

NM_001204.7(BMPR2):c.*221C>T

Gene: BMPR2 (bone morphogenetic protein receptor type 2; plus strand). Cytogenetic location: 2q33.2.
Variant type: single nucleotide variant.
Coding change: c.*221C>T on transcript NM_001204.7 (MANE Select); 221 bases downstream of the stop codon, C replaced by T.
Molecular consequence: 3 prime UTR variant.
Genome position (GRCh38, 1-based): chr2:202,560,167, C>T. VCF-style: chr2-202560167-C-T. GRCh37 (hg19) VCF-style: chr2-203424890-C-T.
Other names: c.*221C>T (LRG_712t1).
Identifiers: ClinVar variation 333657 (VCV000333657.5), dbSNP rs16839190, ClinGen allele CA10613908.